The following is an entry in ClinVar:

NM_000038.6(APC):c.8415C>T (p.Ile2805=)

Gene: APC (APC regulator of Wnt signaling pathway; plus strand). Cytogenetic location: 5q22.2.
Variant type: single nucleotide variant.
Coding change: c.8415C>T on transcript NM_000038.6 (MANE Select); coding-DNA position 8415, C replaced by T.
Protein change: p.Ile2805=; no amino-acid change (isoleucine 2805 retained).
Molecular consequence: synonymous variant. On other transcripts: non-coding transcript variant (2).
Genome position (GRCh38, 1-based): chr5:112,844,009, C>T. VCF-style: chr5-112844009-C-T. GRCh37 (hg19) VCF-style: chr5-112179706-C-T.
Other names: c.8415C>T, p.Ile2805= (NM_001127510.3, NM_001354895.2, NM_001407450.1); c.8361C>T, p.Ile2787= (NM_001127511.3); c.8469C>T, p.Ile2823= (NM_001354896.2, NM_001407447.1, NM_001407448.1 and 1 more transcripts); c.8445C>T, p.Ile2815= (NM_001354897.2); c.8340C>T, p.Ile2780= (NM_001354898.2); c.8331C>T, p.Ile2777= (NM_001354899.2); c.8292C>T, p.Ile2764= (NM_001354900.2); c.8238C>T, p.Ile2746= (NM_001354901.2, NM_001407453.1); and 11 more.
Identifiers: ClinVar variation 3254006 (VCV003254006.4), dbSNP rs2150004945.
Genomic context (GRCh38, chr5:112,844,009, plus strand): 5'-TTACAACCCAAGCCCTAGGAAAAGCAGCGCAGATAGCACTTCAGCTCGGCCATCTCAGAT[C>T]CCAACTCCAGTGAATAACAACACAAAGAAGCGAGATTCCAAAACTGACAGCACAGAATCC-3'
Protein context (NP_000029.2, residues 2795-2815): ADSTSARPSQ[Ile2805=]PTPVNNNTKK

ClinVar aggregate classification (germline): Benign/Likely benign. Review status: criteria provided, multiple submitters, no conflicts (2 of 4 stars). 3 submissions from 3 submitters: Benign (1); Likely benign (2). Last evaluated 2024-07-29.

Conditions:
Familial adenomatous polyposis 1 (FAP1). Also called: POLYPOSIS, ADENOMATOUS INTESTINAL; FAMILIAL ADENOMATOUS POLYPOSIS 1, ATTENUATED. Identifiers: MedGen C2713442, MONDO:0021056, OMIM 175100. Disease mechanism: loss of function.
Classic or attenuated familial adenomatous polyposis. Identifiers: MedGen CN372698, MONDO:0021057.

Allele frequency attached by ClinVar (database versions not stated): gnomAD exomes below 0.00001.

Submissions (3):

All of Us Research Program, National Institutes of Health
Classification: Likely benign for Classic or attenuated familial adenomatous polyposis. Last evaluated: 2024-07-29. Review status: criteria provided, single submitter. Criteria: ACMG Guidelines, 2015. Collection method: clinical testing. Allele origin: germline. Inheritance: Autosomal dominant inheritance. Observed: 1 variant allele, 1 heterozygote.
Comment: This study involves interpretation of variants in research participants for the purpose of population health screening. Participant phenotype was not available at the time of variant classification. Additional details can be found in publication PMID: 35346344, PMCID: PMC8962531

Labcorp Genetics (formerly Invitae), Labcorp
Classification: Likely benign for Familial adenomatous polyposis 1. Last evaluated: 2024-05-06. Review status: criteria provided, single submitter. Criteria: Invitae Variant Classification Sherloc (09022015). Collection method: clinical testing. Allele origin: germline.

Myriad Genetics, Inc.
Classification: Benign for Familial adenomatous polyposis 1. Last evaluated: 2024-04-15. Review status: criteria provided, single submitter. Criteria: Myriad Autosomal Dominant, Autosomal Recessive and X-Linked Classification Criteria (2023). Collection method: clinical testing. Allele origin: unknown.
Comment: This variant is considered benign. This variant is a silent/synonymous amino acid change and it is not expected to impact splicing.